The following is an entry in ClinVar:

NM_013444.4(UBQLN2):c.1490C>G (p.Pro497Arg)

Gene: UBQLN2 (ubiquilin 2; plus strand). Cytogenetic location: Xp11.21.
Variant type: single nucleotide variant.
Coding change: c.1490C>G on transcript NM_013444.4 (MANE Select); coding-DNA position 1490, C replaced by G.
Protein change: p.Pro497Arg; replaces proline 497 with arginine.
Molecular consequence: missense variant.
Genome position (GRCh38, 1-based): chrX:56,565,363, C>G. VCF-style: chrX-56565363-C-G. GRCh37 (hg19) VCF-style: chrX-56591796-C-G.
Other names: short protein forms P497R.
Identifiers: ClinVar variation 1500447 (VCV001500447.6), dbSNP rs387906709, ClinGen allele CA413380674.

ClinVar aggregate classification (germline): Uncertain significance (1 of 4 stars; one submission).

Conditions:
Amyotrophic lateral sclerosis type 15. Also called: AMYOTROPHIC LATERAL SCLEROSIS 15 WITH FRONTOTEMPORAL DEMENTIA. Identifiers: Orphanet 803, MedGen C3275459, MONDO:0010459, OMIM 300857.

Submission:

Labcorp Genetics (formerly Invitae), Labcorp
Classification: Uncertain significance for Amyotrophic lateral sclerosis type 15. Last evaluated: 2021-02-07. Review status: criteria provided, single submitter. Criteria: Invitae Variant Classification Sherloc (09022015). Collection method: clinical testing. Allele origin: germline.
Comment: In summary, the available evidence is currently insufficient to determine the role of this variant in disease. Therefore, it has been classified as a Variant of Uncertain Significance. This variant disrupts the p.Pro497 amino acid residue in UBQLN2. Other variant(s) that disrupt this residue have been determined to be pathogenic (PMID: 21857683, 24215460, 30348461). This suggests that this residue is clinically significant, and that variants that disrupt this residue are likely to be disease-causing. Experimental studies and prediction algorithms are not available or were not evaluated, and the functional significance of this variant is currently unknown. This variant has not been reported in the literature in individuals with UBQLN2-related conditions. This variant is not present in population databases (ExAC no frequency). This sequence change replaces proline with arginine at codon 497 of the UBQLN2 protein (p.Pro497Arg). The proline residue is moderately conserved and there is a moderate physicochemical difference between proline and arginine.

Literature cited by the submitters: PubMed 21857683; PubMed 24215460; PubMed 30348461.